The following is an entry in ClinVar:

ClinVar aggregate classification (germline): Uncertain significance (1 of 4 stars; one submission).

Allele frequency attached by ClinVar (database versions not stated): gnomAD exomes 0.00001.
gnomAD v4.1: 10 of 1,613,740 alleles (0.00062%); highest among the groups gnomAD compares: Non-Finnish European, 0.00085%; no homozygotes.

Submission:

Ambry Genetics
Classification: Uncertain significance. Last evaluated: 2022-08-30. Review status: criteria provided, single submitter. Criteria: Ambry Variant Classification Scheme 2023. Collection method: clinical testing. Allele origin: germline.
Comment: The p.A843E variant (also known as c.2528C>A), located in coding exon 4 of the ALPK2 gene, results from a C to A substitution at nucleotide position 2528. The alanine at codon 843 is replaced by glutamic acid, an amino acid with dissimilar properties. This amino acid position is conserved. In addition, this alteration is predicted to be tolerated by in silico analysis. Since supporting evidence is limited at this time, the clinical significance of this alteration remains unclear.

NM_052947.4(ALPK2):c.2528C>A (p.Ala843Glu)

Gene: ALPK2 (alpha kinase 2; minus strand). Cytogenetic location: 18q21.31.
Variant type: single nucleotide variant.
Coding change: c.2528C>A on transcript NM_052947.4 (MANE Select); coding-DNA position 2528, C replaced by A.
Protein change: p.Ala843Glu; replaces alanine 843 with glutamic acid.
Molecular consequence: missense variant.
Genome position (GRCh38, 1-based): chr18:58,537,659, G>T on the plus strand (C>A on the coding strand, the complement: ALPK2 is on the minus strand). VCF-style: chr18-58537659-G-T. GRCh37 (hg19) VCF-style: chr18-56204891-G-T.
Other names: short protein forms A843E.
Identifiers: ClinVar variation 1792613 (VCV001792613.2), dbSNP rs1602207616, ClinGen allele CA402570336.
Genomic context (GRCh38, chr18:58,537,659, plus strand): 5'-AAGACTTCCAGTGTCTTGTCATTAGAAGAACATAAATCAGATACTTTGTTTTGACCTTCT[G>T]CCAGTTCCGTATCTACAGAGCAAATTTCTTGAGGCGAATATTTATCAACTGGTCTCCCAA-3'
Protein context (NP_443179.3, residues 833-853): QEICSVDTEL[Ala843Glu]EGQNKVSDLC